The following is an entry in ClinVar:

ClinVar aggregate classification (germline): Likely benign. Review status: criteria provided, multiple submitters, no conflicts (2 of 4 stars). 4 submissions from 4 submitters: Likely benign (4). Last evaluated 2025-02-09.

Conditions:
Cardiomyopathy (CMYO). Also called: Cardiomyopathies. Identifiers: Orphanet 167848, MedGen C0878544, MONDO:0004994, HP:0001638. Inheritance: Various modes of inheritance.
Hypertrophic cardiomyopathy. Also called: HYPERTROPHIC MYOCARDIOPATHY. Identifiers: Orphanet 217569, MedGen C0007194, MeSH D002312, MONDO:0005045, HP:0001639.

Allele frequency attached by ClinVar (database versions not stated): gnomAD exomes below 0.00001; gnomAD 0.00001; TOPMed 0.00001.
gnomAD v4.1: 4 of 1,613,922 alleles (0.00025%); highest among the groups gnomAD compares: Non-Finnish European, 0.00034%; no homozygotes.

Submissions (4):

Labcorp Genetics (formerly Invitae), Labcorp
Classification: Likely benign for Hypertrophic cardiomyopathy. Last evaluated: 2025-02-09. Review status: criteria provided, single submitter. Criteria: Invitae Variant Classification Sherloc (09022015). Collection method: clinical testing. Allele origin: germline.

All of Us Research Program, National Institutes of Health
Classification: Likely benign for Cardiomyopathy. Last evaluated: 2023-10-02. Review status: criteria provided, single submitter. Criteria: ACMG Guidelines, 2015. Collection method: clinical testing. Allele origin: germline. Inheritance: Autosomal dominant inheritance. Observed: 4 variant alleles, 4 heterozygotes.
Comment: This study involves interpretation of variants in research participants for the purpose of population health screening. Participant phenotype was not available at the time of variant classification. Additional details can be found in publication PMID: 35346344, PMCID: PMC8962531

Color Diagnostics, LLC DBA Color Health
Classification: Likely benign for Cardiomyopathy. Last evaluated: 2022-10-04. Review status: criteria provided, single submitter. Criteria: ACMG Guidelines, 2015. Collection method: clinical testing. Allele origin: germline.

Laboratory for Molecular Medicine, Mass General Brigham Personalized Medicine
Classification: Likely benign. Last evaluated: 2008-08-18. Review status: criteria provided, single submitter. Criteria: LMM Criteria. Collection method: clinical testing. Allele origin: germline. Observed: 2 variant alleles.

NM_000257.4(MYH7):c.2229G>A (p.Glu743=)

Gene: MYH7 (myosin heavy chain 7; minus strand). Cytogenetic location: 14q11.2.
Variant type: single nucleotide variant.
Coding change: c.2229G>A on transcript NM_000257.4 (MANE Select); coding-DNA position 2229, G replaced by A.
Protein change: p.Glu743=; no amino-acid change (glutamic acid 743 retained).
Molecular consequence: synonymous variant.
Genome position (GRCh38, 1-based): chr14:23,425,752, C>T on the plus strand (G>A on the coding strand, the complement: MYH7 is on the minus strand). VCF-style: chr14-23425752-C-T. GRCh37 (hg19) VCF-style: chr14-23894961-C-T.
Identifiers: ClinVar variation 42891 (VCV000042891.11), dbSNP rs397516139, ClinGen allele CA012039.
Genomic context (GRCh38, chr14:23,425,752, plus strand): 5'-CACCTTGGTGTGGCCAAACTTGTACTGGTTGTGATCAATGTCCAGGGAGCTGAGCAGCTT[C>T]TCTGCCCCCTTCCTGCTATCAATGAACTGTCCCTCAGGGATGGCCGCTGGGTTCAGGATG-3'
Protein context (NP_000248.2, residues 733-753): GQFIDSRKGA[Glu743=]KLLSSLDIDH